The following is an entry in ClinVar:

ClinVar aggregate classification (germline): Uncertain significance (1 of 4 stars; one submission).

Allele frequency attached by ClinVar (database versions not stated): gnomAD exomes below 0.00001.

Submission:

Labcorp Genetics (formerly Invitae), Labcorp
Classification: Uncertain significance. Last evaluated: 2024-04-17. Review status: criteria provided, single submitter. Criteria: Invitae Variant Classification Sherloc (09022015). Collection method: clinical testing. Allele origin: germline.
Comment: This sequence change replaces histidine, which is basic and polar, with tyrosine, which is neutral and polar, at codon 102 of the KIAA0753 protein (p.His102Tyr). This variant is not present in population databases (gnomAD no frequency). This variant has not been reported in the literature in individuals affected with KIAA0753-related conditions. ClinVar contains an entry for this variant (Variation ID: 2129554). An algorithm developed to predict the effect of missense changes on protein structure and function (PolyPhen-2) suggests that this variant is likely to be disruptive. In summary, the available evidence is currently insufficient to determine the role of this variant in disease. Therefore, it has been classified as a Variant of Uncertain Significance.

NM_014804.3(KIAA0753):c.304C>T (p.His102Tyr)

Gene: KIAA0753 (KIAA0753; minus strand). Cytogenetic location: 17p13.1.
Variant type: single nucleotide variant.
Coding change: c.304C>T on transcript NM_014804.3 (MANE Select); coding-DNA position 304, C replaced by T.
Protein change: p.His102Tyr; replaces histidine 102 with tyrosine.
Molecular consequence: missense variant. On other transcripts: 5 prime UTR variant (1), non-coding transcript variant (3).
Genome position (GRCh38, 1-based): chr17:6,628,531, G>A on the plus strand (C>T on the coding strand, the complement: KIAA0753 is on the minus strand). VCF-style: chr17-6628531-G-A. GRCh37 (hg19) VCF-style: chr17-6531851-G-A.
Other names: c.-931C>T (NM_001351225.2); short protein forms H102Y.
Identifiers: ClinVar variation 2129554 (VCV002129554.4), dbSNP rs2544522559, ClinGen allele CA397415200.